The following is an entry in ClinVar:

NM_001083961.2(WDR62):c.546C>T (p.Asn182=)

Gene: WDR62 (WD repeat domain 62; plus strand). Cytogenetic location: 19q13.12.
Variant type: single nucleotide variant.
Coding change: c.546C>T on transcript NM_001083961.2 (MANE Select); coding-DNA position 546, C replaced by T.
Protein change: p.Asn182=; no amino-acid change (asparagine 182 retained).
Molecular consequence: synonymous variant.
Genome position (GRCh38, 1-based): chr19:36,066,412, C>T. VCF-style: chr19-36066412-C-T. GRCh37 (hg19) VCF-style: chr19-36557314-C-T.
Other names: c.546C>T, p.Asn182= (NM_173636.5).
Identifiers: ClinVar variation 888721 (VCV000888721.37), dbSNP rs199931318, ClinGen allele CA9395313.
Genomic context (GRCh38, chr19:36,066,412, plus strand): 5'-CTTCTCACCCAATATGAAGCACATCGTGTCCATGGGCTACCAACATGACATGGTGCTCAA[C>T]GTCTGGGACTGGAAGGTAAGAGCCGACCAGCAGGCCTGTGGCAGGCAGCCAGCTGCCACA-3'
Protein context (NP_001077430.1, residues 172-192): SMGYQHDMVL[Asn182=]VWDWKKDIVV

ClinVar aggregate classification (germline): Conflicting classifications of pathogenicity. Review status: criteria provided, conflicting classifications (1 of 4 stars). 6 submissions from 6 submitters: Uncertain significance (1); Benign (1); Likely benign (3). 1 of the submissions does not count toward it. Last evaluated 2026-01-13.

Conditions:
Microcephaly 2, primary, autosomal recessive, with or without cortical malformations. Also called: MICROCEPHALY 2, PRIMARY, AUTOSOMAL RECESSIVE, WITH CORTICAL MALFORMATIONS; WDR62 Primary Microcephaly. Identifiers: Orphanet 2512, MedGen C1858535, MONDO:0011435, OMIM 604317.
WDR62-related disorder. Also called: WDR62-related condition.

Allele frequency attached by ClinVar (database versions not stated): ESP Exome Variant Server 0.00008; gnomAD 0.00026 and 0.00029; TOPMed 0.00037; 1000 Genomes Project 0.00040; gnomAD exomes 0.00040; 1000 Genomes Project 30x 0.00047; ExAC 0.00062.
gnomAD v4.1: 666 of 1,604,580 alleles (0.042%); highest among the groups gnomAD compares: Admixed American, 0.1%; 1 homozygote.

Submissions (6):

Labcorp Genetics (formerly Invitae), Labcorp
Classification: Benign. Last evaluated: 2026-01-13. Review status: criteria provided, single submitter. Criteria: Invitae Variant Classification Sherloc (09022015). Collection method: clinical testing. Allele origin: germline.

CeGaT Center for Human Genetics Tuebingen
Classification: Likely benign. Last evaluated: 2026-01-01. Review status: criteria provided, single submitter. Criteria: CeGaT Center For Human Genetics Tuebingen Variant Classification Criteria Version 2. Collection method: clinical testing. Allele origin: germline. Affected: yes. Observed: 3 variant alleles.
Comment: WDR62: BP4, BP7

Blueprint Genetics
Classification: Likely benign. Last evaluated: 2024-10-16. Review status: criteria provided, single submitter. Criteria: ACMG Guidelines, 2015. Collection method: clinical testing. Allele origin: germline.

GeneDx
Classification: Likely benign. Last evaluated: 2020-01-15. Review status: criteria provided, single submitter. Criteria: GeneDx Variant Classification Process June 2021. Collection method: clinical testing. Allele origin: germline. Affected: yes.

Illumina Laboratory Services, Illumina
Classification: Uncertain significance for Microcephaly 2, primary, autosomal recessive, with or without cortical malformations. Last evaluated: 2018-01-13. Review status: criteria provided, single submitter. Criteria: ICSL Variant Classification Criteria 13 December 2019. Collection method: clinical testing. Allele origin: germline.

PreventionGenetics, part of Exact Sciences
Classification: Likely benign for WDR62-related condition. Last evaluated: 2019-07-15. Review status: no assertion criteria provided. Collection method: clinical testing. Allele origin: germline. Not counted in ClinVar's aggregate classification.
Comment: This variant is classified as likely benign based on ACMG/AMP sequence variant interpretation guidelines (Richards et al. 2015 PMID: 25741868, with internal and published modifications).